The following is an entry in ClinVar:

ClinVar aggregate classification (germline): Pathogenic/Likely pathogenic. Review status: criteria provided, multiple submitters, no conflicts (2 of 4 stars). 4 submissions from 4 submitters: Pathogenic (1); Likely pathogenic (2). 1 of the submissions does not count toward it. Last evaluated 2026-09-23.

Conditions:
Heterotaxy, visceral, 8, autosomal (HTX8). Identifiers: MedGen C4310668, MONDO:0014967, OMIM 617205.
PKD1L1-related disorder. Also called: PKD1L1-related condition.

Submissions (4):

GeneDx
Classification: Likely pathogenic. Last evaluated: 2026-09-23. Review status: criteria provided, single submitter. Criteria: GeneDx Variant Classification Process June 2021. Collection method: clinical testing. Allele origin: germline.
Comment: Frameshift variant predicted to result in protein truncation or nonsense mediated decay in a gene for which loss of function is a known mechanism of disease; Has not been previously published as pathogenic or benign to our knowledge

Labcorp Genetics (formerly Invitae), Labcorp
Classification: Pathogenic. Last evaluated: 2024-07-30. Review status: criteria provided, single submitter. Criteria: Invitae Variant Classification Sherloc (09022015). Collection method: clinical testing. Allele origin: germline.
Comment: This sequence change creates a premature translational stop signal (p.Lys353Argfs*34) in the PKD1L1 gene. It is expected to result in an absent or disrupted protein product. Loss-of-function variants in PKD1L1 are known to be pathogenic (PMID: 27616478). This variant is present in population databases (rs746133743, gnomAD 0.004%). This variant has not been reported in the literature in individuals affected with PKD1L1-related conditions. For these reasons, this variant has been classified as Pathogenic.

Clinical Genomics Laboratory, Washington University in St. Louis
Classification: Likely pathogenic for Heterotaxy, visceral, 8, autosomal. Last evaluated: 2023-12-26. Review status: criteria provided, single submitter. Criteria: ACMG Guidelines, 2015. Collection method: clinical testing. Allele origin: germline. Affected: yes.
Comment: The PKD1L1 c.1058_1059del (p.Lys353ArgfsTer34) variant, to our knowledge, has not been reported in the medical literature. This variant causes a frameshift by deleting two nucleotides, leading to a premature termination codon, which is predicted to lead to nonsense mediated decay. The highest population minor allele frequency in the population database genome aggregation database (v.2.1.1) is 0.004% in the European non-Finnish population. Based on available information and the ACMG/AMP guidelines for variant interpretation (Richards S et al., PMID: 25741868), this variant is classified as likely pathogenic.

PreventionGenetics, part of Exact Sciences
Classification: Likely pathogenic for PKD1L1-related condition. Last evaluated: 2023-12-27. Review status: no assertion criteria provided. Collection method: clinical testing. Allele origin: germline. Not counted in ClinVar's aggregate classification.
Comment: The PKD1L1 c.1058_1059delAA variant is predicted to result in a frameshift and premature protein termination (p.Lys353Argfs*34). To our knowledge, this variant has not been reported in the literature. This variant is reported in 0.0039% of alleles in individuals of European (Non-Finnish) descent in gnomAD. Frameshift variants in PKD1L1 are expected to be pathogenic. This variant is interpreted as likely pathogenic.

Literature cited by the submitters: PubMed 27616478 (cited by Labcorp Genetics (formerly Invitae), Labcorp).

NM_138295.5(PKD1L1):c.1058_1059del (p.Lys353fs)

Gene: PKD1L1 (polycystin 1 like 1, transient receptor potential channel interacting; minus strand). Cytogenetic location: 7p12.3.
Variant type: Deletion.
Coding change: c.1058_1059del on transcript NM_138295.5 (MANE Select); coding-DNA positions 1058 to 1059, 2 bases deleted (AA; older notation c.1058_1059delAA).
Protein change: p.Lys353fs; shifts the reading frame from lysine 353.
Molecular consequence: frameshift variant.
Genome position (GRCh38, 1-based): chr7:47,929,205-47,929,206, TT deleted on the plus strand (AA on the coding strand, the reverse complement: PKD1L1 is on the minus strand); deleting any 2 consecutive bases within chr7:47,929,205-47,929,208 gives the same sequence; the c. name uses the placement nearest the transcript's 3' end. VCF-style (leftmost placement, unchanged base first): chr7-47929204-CTT-C. GRCh37 (hg19) VCF-style: chr7-47968801-CTT-C.
Other names: c.1058_1059del (NM_138295.3); short protein forms K353fs.
Identifiers: ClinVar variation 3054974 (VCV003054974.8), dbSNP rs746133743, ClinGen allele CA4254173.